The following is an entry in ClinVar:

NM_000298.6(PKLR):c.665G>A (p.Gly222Glu)

Gene: PKLR (pyruvate kinase L/R; minus strand). Cytogenetic location: 1q22.
Variant type: single nucleotide variant.
Coding change: c.665G>A on transcript NM_000298.6 (MANE Select); coding-DNA position 665, G replaced by A.
Protein change: p.Gly222Glu; replaces glycine 222 with glutamic acid.
Molecular consequence: missense variant.
Genome position (GRCh38, 1-based): chr1:155,295,145, C>T on the plus strand (G>A on the coding strand, the complement: PKLR is on the minus strand). VCF-style: chr1-155295145-C-T. GRCh37 (hg19) VCF-style: chr1-155264936-C-T.
Other names: c.572G>A, p.Gly191Glu (NM_181871.4); short protein forms G191E, G222E.
Identifiers: ClinVar variation 3610441 (VCV003610441.2).

ClinVar aggregate classification (germline): Uncertain significance (1 of 4 stars; one submission).

gnomAD v4.1: 2 of 1,614,120 alleles (0.00012%); highest among the groups gnomAD compares: Non-Finnish European, 0.00017%; no homozygotes.

Submission:

Labcorp Genetics (formerly Invitae), Labcorp
Classification: Uncertain significance. Last evaluated: 2024-11-06. Review status: criteria provided, single submitter. Criteria: Invitae Variant Classification Sherloc (09022015). Collection method: clinical testing. Allele origin: germline.
Comment: This sequence change replaces glycine, which is neutral and non-polar, with glutamic acid, which is acidic and polar, at codon 222 of the PKLR protein (p.Gly222Glu). This variant is not present in population databases (gnomAD no frequency). This missense change has been observed in individual(s) with pyruvate kinase deficiency (PMID: 32043619). Invitae Evidence Modeling of protein sequence and biophysical properties (such as structural, functional, and spatial information, amino acid conservation, physicochemical variation, residue mobility, and thermodynamic stability) indicates that this missense variant is expected to disrupt PKLR protein function with a positive predictive value of 80%. In summary, the available evidence is currently insufficient to determine the role of this variant in disease. Therefore, it has been classified as a Variant of Uncertain Significance.

Literature cited by the submitters: PubMed 32043619.